The following is an entry in ClinVar:

NM_000052.7(ATP7A):c.1677T>G (p.Ala559=)

Gene: ATP7A (ATPase copper transporting alpha; plus strand). Cytogenetic location: Xq21.1.
Variant type: single nucleotide variant.
Coding change: c.1677T>G on transcript NM_000052.7 (MANE Select); coding-DNA position 1677, T replaced by G.
Protein change: p.Ala559=; no amino-acid change (alanine 559 retained).
Molecular consequence: synonymous variant.
Genome position (GRCh38, 1-based): chrX:78,003,206, T>G. VCF-style: chrX-78003206-T-G. GRCh37 (hg19) VCF-style: chrX-77258703-T-G.
Other names: c.1677T>G, p.Ala559= (NM_001282224.2).
Identifiers: ClinVar variation 706318 (VCV000706318.28), dbSNP rs149841982, ClinGen allele CA10459076.
Genomic context (GRCh38, chrX:78,003,206, plus strand): 5'-CCCAATGATAGCAGAGTTCATCCGAGAACTTGGATTTGGAGCCACTGTGATAGAAAATGC[T>G]GATGAAGGAGATGGTGTTTTGGAACTTGTTGTAAGTAAGATTTTTTGTGTGATTAATAAA-3'
Protein context (NP_000043.4, residues 549-569): LGFGATVIEN[Ala559=]DEGDGVLELV

ClinVar aggregate classification (germline): Likely benign. Review status: criteria provided, multiple submitters, no conflicts (2 of 4 stars). 4 submissions from 4 submitters: Likely benign (3). 1 of the submissions does not count toward it. Last evaluated 2026-01-24.

Conditions:
Menkes kinky-hair syndrome (MNK). Also called: Menkes Disease; Classic Menkes Disease; Copper transport disease. Identifiers: Orphanet 565, MedGen C0022716, MONDO:0010651, OMIM 309400.
X-linked distal spinal muscular atrophy type 3. Also called: NEURONOPATHY, DISTAL HEREDITARY MOTOR, X-LINKED; NEUROPATHY, DISTAL HEREDITARY MOTOR, X-LINKED; ATP7A-Related Distal Motor Neuropathy; SPINAL MUSCULAR ATROPHY, DISTAL, X-LINKED RECESSIVE. Identifiers: Orphanet 139557, MedGen C1845359, MONDO:0010338, OMIM 300489.
Cutis laxa, X-linked (OHS). Also called: EDS IX; Occipital horn syndrome. Identifiers: Orphanet 198, MedGen C0268353, MONDO:0010572, OMIM 304150.

Allele frequency attached by ClinVar (database versions not stated): ExAC 0.00001; gnomAD exomes 0.00002 and 0.00003; TOPMed 0.00004; gnomAD 0.00005 and 0.00006; ESP Exome Variant Server 0.00009.
gnomAD v4.1: 39 of 1,208,865 alleles (0.0032%); highest among the groups gnomAD compares: Non-Finnish European, 0.0042%; no homozygotes.

Submissions (4):

Labcorp Genetics (formerly Invitae), Labcorp
Classification: Likely benign for X-linked distal spinal muscular atrophy type 3; Cutis laxa, X-linked; Menkes kinky-hair syndrome. Last evaluated: 2026-01-24. Review status: criteria provided, single submitter. Criteria: Invitae Variant Classification Sherloc (09022015). Collection method: clinical testing. Allele origin: germline.

CeGaT Center for Human Genetics Tuebingen
Classification: Likely benign. Last evaluated: 2024-09-01. Review status: criteria provided, single submitter. Criteria: CeGaT Center For Human Genetics Tuebingen Variant Classification Criteria Version 2. Collection method: clinical testing. Allele origin: germline. Affected: yes. Observed: 1 variant allele.
Comment: ATP7A: BP4, BP7, BS2

GeneDx
Classification: Likely benign. Last evaluated: 2021-02-23. Review status: criteria provided, single submitter. Criteria: GeneDx Variant Classification Process June 2021. Collection method: clinical testing. Allele origin: germline. Affected: yes.

Natera, Inc.
Classification: Likely benign for Menkes kinky hair syndrome. Last evaluated: 2020-12-17. Review status: no assertion criteria provided. Collection method: clinical testing. Allele origin: germline. Not counted in ClinVar's aggregate classification.